The following is an entry in ClinVar:

ClinVar aggregate classification (germline): Uncertain significance (1 of 4 stars; one submission).

Allele frequency attached by ClinVar (database versions not stated): TOPMed below 0.00001; ExAC 0.00001; gnomAD 0.00001; gnomAD exomes 0.00001.
gnomAD v4.1: 16 of 1,614,018 alleles (0.00099%); highest among the groups gnomAD compares: Non-Finnish European, 0.0013%; no homozygotes.

Submission:

Labcorp Genetics (formerly Invitae), Labcorp
Classification: Uncertain significance. Last evaluated: 2022-05-17. Review status: criteria provided, single submitter. Criteria: Invitae Variant Classification Sherloc (09022015). Collection method: clinical testing. Allele origin: germline.
Comment: In summary, the available evidence is currently insufficient to determine the role of this variant in disease. Therefore, it has been classified as a Variant of Uncertain Significance. Algorithms developed to predict the effect of missense changes on protein structure and function are either unavailable or do not agree on the potential impact of this missense change (SIFT: "Deleterious"; PolyPhen-2: "Probably Damaging"; Align-GVGD: "Class C0"). This variant has not been reported in the literature in individuals affected with ATP6V0A4-related conditions. This variant is present in population databases (rs751514919, gnomAD 0.002%). This sequence change replaces methionine, which is neutral and non-polar, with isoleucine, which is neutral and non-polar, at codon 408 of the ATP6V0A4 protein (p.Met408Ile).

NM_020632.3(ATP6V0A4):c.1224G>A (p.Met408Ile)

Gene: ATP6V0A4 (ATPase H+ transporting V0 subunit a4; minus strand). Cytogenetic location: 7q34.
Variant type: single nucleotide variant.
Coding change: c.1224G>A on transcript NM_020632.3 (MANE Select); coding-DNA position 1224, G replaced by A.
Protein change: p.Met408Ile; replaces methionine 408 with isoleucine.
Molecular consequence: missense variant.
Genome position (GRCh38, 1-based): chr7:138,747,521, C>T on the plus strand (G>A on the coding strand, the complement: ATP6V0A4 is on the minus strand). VCF-style: chr7-138747521-C-T. GRCh37 (hg19) VCF-style: chr7-138432266-C-T.
Other names: c.1224G>A, p.Met408Ile (NM_130840.3, NM_130841.3); short protein forms M408I.
Identifiers: ClinVar variation 2156151 (VCV002156151.4), dbSNP rs751514919, ClinGen allele CA4504841.